The following is an entry in ClinVar:

NM_032119.4(ADGRV1):c.7751A>G (p.Asn2584Ser)

Gene: ADGRV1 (adhesion G protein-coupled receptor V1; plus strand). Cytogenetic location: 5q14.3.
Variant type: single nucleotide variant.
Coding change: c.7751A>G on transcript NM_032119.4 (MANE Select); coding-DNA position 7751, A replaced by G.
Protein change: p.Asn2584Ser; replaces asparagine 2584 with serine.
Molecular consequence: missense variant. On other transcripts: non-coding transcript variant (1).
Genome position (GRCh38, 1-based): chr5:90,694,507, A>G. VCF-style: chr5-90694507-A-G. GRCh37 (hg19) VCF-style: chr5-89990324-A-G.
Other names: short protein forms N2584S.
Identifiers: ClinVar variation 46379 (VCV000046379.30), dbSNP rs1878878, ClinGen allele CA138224.

ClinVar aggregate classification (germline): Benign. Review status: criteria provided, multiple submitters, no conflicts (2 of 4 stars). 11 submissions from 11 submitters: Benign (7). 4 of the submissions do not count toward it. Last evaluated 2026-02-04.

Conditions:
Usher syndrome type 2C. Also called: Usher syndrome, type 2B; USHER SYNDROME, TYPE IIC. Identifiers: Orphanet 231178, Orphanet 886, MedGen C2931213, MONDO:0011558, OMIM 605472.

Allele frequency attached by ClinVar (database versions not stated): gnomAD exomes 0.66095 and 0.71073; ExAC 0.70901; ESP Exome Variant Server 0.73126; gnomAD 0.74010 and 0.74142; TOPMed 0.75974; 1000 Genomes Project 30x 0.80497; 1000 Genomes Project 0.80851.
gnomAD v4.1: 1,080,234 of 1,613,680 alleles (67%); highest among the groups gnomAD compares: African/African-American, 91%; 366,238 homozygotes.

Submissions (11):

Labcorp Genetics (formerly Invitae), Labcorp
Classification: Benign. Last evaluated: 2026-02-04. Review status: criteria provided, single submitter. Criteria: Invitae Variant Classification Sherloc (09022015). Collection method: clinical testing. Allele origin: germline.

Genome-Nilou Lab
Classification: Benign for Usher syndrome type 2C. Last evaluated: 2021-08-10. Review status: criteria provided, single submitter. Criteria: ACMG Guidelines, 2015. Collection method: clinical testing. Allele origin: germline. Affected: no.

Mayo Clinic Laboratories, Mayo Clinic
Classification: Benign. Last evaluated: 2020-10-02. Review status: criteria provided, single submitter. Criteria: ACMG Guidelines, 2015. Collection method: clinical testing. Allele origin: germline. Observed: 144 variant alleles.

Illumina Laboratory Services, Illumina
Classification: Benign for Usher syndrome type 2C. Last evaluated: 2018-01-13. Review status: criteria provided, single submitter. Criteria: ICSL Variant Classification Criteria 13 December 2019. Collection method: clinical testing. Allele origin: germline.
Comment: This variant was observed in the ICSL laboratory as part of a predisposition screen in an ostensibly healthy population. It had not been previously curated by ICSL or reported in the Human Gene Mutation Database (HGMD: prior to June 1st, 2018), and was therefore a candidate for classification through an automated scoring system. Utilizing variant allele frequency, disease prevalence and penetrance estimates, and inheritance mode, an automated score was calculated to assess if this variant is too frequent to cause the disease. Based on the score and internal cut-off values, a variant classified as benign is not then subjected to further curation. The score for this variant resulted in a classification of benign for this disease.

GeneDx
Classification: Benign. Last evaluated: 2015-03-03. Review status: criteria provided, single submitter. Criteria: GeneDx Variant Classification Process June 2021. Collection method: clinical testing. Allele origin: germline. Affected: yes.

Laboratory for Molecular Medicine, Mass General Brigham Personalized Medicine
Classification: Benign. Last evaluated: 2009-06-19. Review status: criteria provided, single submitter. Criteria: LMM Criteria. Collection method: clinical testing. Allele origin: germline. Observed: 1,952 variant alleles.

PreventionGenetics, part of Exact Sciences
Classification: Benign. Review status: criteria provided, single submitter. Criteria: ACMG Guidelines, 2015. Collection method: clinical testing. Allele origin: germline.

Diagnostic Laboratory, Department of Genetics, University Medical Center Groningen
Classification: Benign. Review status: no assertion criteria provided. Collection method: clinical testing. Allele origin: germline. Affected: yes. Study: VKGL Data-share Consensus. Not counted in ClinVar's aggregate classification.

Genetic Services Laboratory, University of Chicago
Classification: Likely benign. Review status: no assertion criteria provided. Collection method: clinical testing. Allele origin: germline. Inheritance: Autosomal dominant inheritance. Not counted in ClinVar's aggregate classification.
Comment: Likely benign based on allele frequency in 1000 Genomes Project or ESP global frequency and its presence in a patient with a rare or unrelated disease phenotype. NOT Sanger confirmed

Genome Diagnostics Laboratory, University Medical Center Utrecht
Classification: Benign. Review status: no assertion criteria provided. Collection method: clinical testing. Allele origin: germline. Affected: yes. Study: VKGL Data-share Consensus. Not counted in ClinVar's aggregate classification.

Joint Genome Diagnostic Labs from Nijmegen and Maastricht, Radboudumc and MUMC+
Classification: Benign. Review status: no assertion criteria provided. Collection method: clinical testing. Allele origin: germline. Affected: yes. Study: VKGL Data-share Consensus. Not counted in ClinVar's aggregate classification.